The following is an entry in ClinVar:

ClinVar aggregate classification (germline): Uncertain significance (1 of 4 stars; one submission).

Allele frequency attached by ClinVar (database versions not stated): gnomAD 0.00001.

Submission:

Labcorp Genetics (formerly Invitae), Labcorp
Classification: Uncertain significance. Last evaluated: 2025-12-11. Review status: criteria provided, single submitter. Criteria: Invitae Variant Classification Sherloc (09022015). Collection method: clinical testing. Allele origin: germline.
Comment: This sequence change replaces arginine, which is basic and polar, with threonine, which is neutral and polar, at codon 232 of the ASRGL1 protein (p.Arg232Thr). This variant is not present in population databases (gnomAD no frequency). This variant has not been reported in the literature in individuals affected with ASRGL1-related conditions. ClinVar contains an entry for this variant (Variation ID: 2984929). An algorithm developed to predict the effect of missense changes on protein structure and function (PolyPhen-2) suggests that this variant is likely to be disruptive. In summary, the available evidence is currently insufficient to determine the role of this variant in disease. Therefore, it has been classified as a Variant of Uncertain Significance.

NM_001083926.2(ASRGL1):c.695G>C (p.Arg232Thr)

Gene: ASRGL1 (asparaginase and isoaspartyl peptidase 1; plus strand). Cytogenetic location: 11q12.3.
Variant type: single nucleotide variant.
Coding change: c.695G>C on transcript NM_001083926.2 (MANE Select); coding-DNA position 695, G replaced by C.
Protein change: p.Arg232Thr; replaces arginine 232 with threonine.
Molecular consequence: missense variant.
Genome position (GRCh38, 1-based): chr11:62,391,606, G>C. VCF-style: chr11-62391606-G-C. GRCh37 (hg19) VCF-style: chr11-62159078-G-C.
Other names: c.695G>C, p.Arg232Thr (NM_025080.4); short protein forms R232T.
Identifiers: ClinVar variation 2984929 (VCV002984929.3), dbSNP rs1033760994, ClinGen allele CA380871381.